The following is an entry in ClinVar:

ClinVar aggregate classification (germline): Uncertain significance (1 of 4 stars; one submission).

Allele frequency attached by ClinVar (database versions not stated): gnomAD exomes 0.00002.
gnomAD v4.1: 23 of 1,611,814 alleles (0.0014%); highest among the groups gnomAD compares: Non-Finnish European, 0.002%; no homozygotes.

Submission:

Labcorp Genetics (formerly Invitae), Labcorp
Classification: Uncertain significance. Last evaluated: 2023-07-28. Review status: criteria provided, single submitter. Criteria: Invitae Variant Classification Sherloc (09022015). Collection method: clinical testing. Allele origin: germline.
Comment: In summary, the available evidence is currently insufficient to determine the role of this variant in disease. Therefore, it has been classified as a Variant of Uncertain Significance. Algorithms developed to predict the effect of sequence changes on RNA splicing suggest that this variant may create or strengthen a splice site. An algorithm developed to predict the effect of missense changes on protein structure and function (PolyPhen-2) suggests that this variant is likely to be disruptive. This variant has not been reported in the literature in individuals affected with HMCN1-related conditions. This variant is not present in population databases (gnomAD no frequency). This sequence change replaces glutamic acid, which is acidic and polar, with aspartic acid, which is acidic and polar, at codon 3199 of the HMCN1 protein (p.Glu3199Asp).

NM_031935.3(HMCN1):c.9597A>T (p.Glu3199Asp)

Gene: HMCN1 (hemicentin 1; plus strand). Cytogenetic location: 1q31.1.
Variant type: single nucleotide variant.
Coding change: c.9597A>T on transcript NM_031935.3 (MANE Select); coding-DNA position 9597, A replaced by T.
Protein change: p.Glu3199Asp; replaces glutamic acid 3199 with aspartic acid.
Molecular consequence: missense variant.
Genome position (GRCh38, 1-based): chr1:186,088,625, A>T. VCF-style: chr1-186088625-A-T. GRCh37 (hg19) VCF-style: chr1-186057757-A-T.
Other names: short protein forms E3199D.
Identifiers: ClinVar variation 2795019 (VCV002795019.3), dbSNP rs1037267610, ClinGen allele CA33479068.